The following is an entry in ClinVar:

ClinVar aggregate classification (germline): Likely benign. Review status: criteria provided, multiple submitters, no conflicts (2 of 4 stars). 4 submissions from 4 submitters: Likely benign (4). Last evaluated 2024-07-14.

Conditions:
Cardiovascular phenotype. Identifiers: MedGen CN230736.
Cardiomyopathy (CMYO). Also called: Cardiomyopathies. Identifiers: Orphanet 167848, MedGen C0878544, MONDO:0004994, HP:0001638. Inheritance: Various modes of inheritance.
Arrhythmogenic cardiomyopathy with wooly hair and keratoderma. Also called: Arrhythmogenic cardiomyopathy with woolly hair and keratoderma; Carvajal syndrome; Dilated cardiomyopathy with woolly hair and keratoderma; PALMOPLANTAR KERATODERMA WITH LEFT VENTRICULAR CARDIOMYOPATHY AND WOOLLY HAIR. Identifiers: Orphanet 65282, MedGen C1854063, MONDO:0011581, OMIM 605676.
Arrhythmogenic right ventricular dysplasia 8 (ARVD8). Also called: ARRHYTHMOGENIC RIGHT VENTRICULAR DYSPLASIA, FAMILIAL, 8; ARRHYTHMOGENIC RIGHT VENTRICULAR CARDIOMYOPATHY 8; Arrhythmogenic Right Ventricular Dysplasia/Cardiomyopathy 8. Identifiers: MedGen C1843896, MONDO:0011831, OMIM 607450.

Allele frequency attached by ClinVar (database versions not stated): gnomAD exomes below 0.00001 and 0.00001; TOPMed below 0.00001.
gnomAD v4.1: 10 of 1,614,228 alleles (0.00062%); highest among the groups gnomAD compares: Non-Finnish European, 0.00085%; no homozygotes.

Submissions (4):

Ambry Genetics
Classification: Likely benign for Cardiovascular phenotype. Last evaluated: 2024-07-14. Review status: criteria provided, single submitter. Criteria: Ambry Variant Classification Scheme 2023. Collection method: clinical testing. Allele origin: germline.

All of Us Research Program, National Institutes of Health
Classification: Likely benign for Arrhythmogenic cardiomyopathy with wooly hair and keratoderma. Last evaluated: 2023-11-28. Review status: criteria provided, single submitter. Criteria: ACMG Guidelines, 2015. Collection method: clinical testing. Allele origin: germline. Inheritance: Autosomal dominant inheritance. Observed: 3 variant alleles, 3 heterozygotes.
Comment: This study involves interpretation of variants in research participants for the purpose of population health screening. Participant phenotype was not available at the time of variant classification. Additional details can be found in publication PMID: 35346344, PMCID: PMC8962531

Color Diagnostics, LLC DBA Color Health
Classification: Likely benign for Cardiomyopathy. Last evaluated: 2023-08-09. Review status: criteria provided, single submitter. Criteria: ACMG Guidelines, 2015. Collection method: clinical testing. Allele origin: germline.

Labcorp Genetics (formerly Invitae), Labcorp
Classification: Likely benign for Arrhythmogenic cardiomyopathy with wooly hair and keratoderma; Arrhythmogenic right ventricular dysplasia 8. Last evaluated: 2021-12-21. Review status: criteria provided, single submitter. Criteria: Invitae Variant Classification Sherloc (09022015). Collection method: clinical testing. Allele origin: germline.

NM_004415.4(DSP):c.5181G>A (p.Leu1727=)

Gene: DSP (desmoplakin; plus strand). Cytogenetic location: 6p24.3.
Variant type: single nucleotide variant.
Coding change: c.5181G>A on transcript NM_004415.4 (MANE Select); coding-DNA position 5181, G replaced by A.
Protein change: p.Leu1727=; no amino-acid change (leucine 1727 retained).
Molecular consequence: synonymous variant. On other transcripts: intron variant (2).
Genome position (GRCh38, 1-based): chr6:7,581,371, G>A. VCF-style: chr6-7581371-G-A. GRCh37 (hg19) VCF-style: chr6-7581604-G-A.
Other names: c.4050+1131G>A (NM_001319034.2); c.3583-1271G>A (NM_001008844.3); c.5181G>A (NM_004415.2).
Identifiers: ClinVar variation 1161623 (VCV001161623.16), dbSNP rs1172441662, ClinGen allele CA448715463.